The following is an entry in ClinVar:

NM_004656.4(BAP1):c.1100C>T (p.Ala367Val)

Gene: BAP1 (BRCA1 associated deubiquitinase 1; minus strand). Cytogenetic location: 3p21.1.
Variant type: single nucleotide variant.
Coding change: c.1100C>T on transcript NM_004656.4 (MANE Select); coding-DNA position 1100, C replaced by T.
Protein change: p.Ala367Val; replaces alanine 367 with valine.
Molecular consequence: missense variant.
Genome position (GRCh38, 1-based): chr3:52,405,126, G>A on the plus strand (C>T on the coding strand, the complement: BAP1 is on the minus strand). VCF-style: chr3-52405126-G-A. GRCh37 (hg19) VCF-style: chr3-52439142-G-A.
Other names: short protein forms A367V.
Identifiers: ClinVar variation 1352685 (VCV001352685.6), dbSNP rs2153226996, ClinGen allele CA353105219.

ClinVar aggregate classification (germline): Uncertain significance (1 of 4 stars; one submission).

Conditions:
BAP1-related tumor predisposition syndrome (TPDS1). Also called: BAP1 tumor predisposition syndrome; COMMON Syndrome; TUMOR PREDISPOSITION SYNDROME 1; Tumor susceptibility linked to germline BAP1 mutations. Identifiers: Orphanet 289539, MedGen C3280492, MONDO:0013692, OMIM 614327.

Submission:

Labcorp Genetics (formerly Invitae), Labcorp
Classification: Uncertain significance for BAP1-related tumor predisposition syndrome. Last evaluated: 2021-11-20. Review status: criteria provided, single submitter. Criteria: Invitae Variant Classification Sherloc (09022015). Collection method: clinical testing. Allele origin: germline.
Comment: This variant has not been reported in the literature in individuals affected with BAP1-related conditions. Algorithms developed to predict the effect of missense changes on protein structure and function are either unavailable or do not agree on the potential impact of this missense change (SIFT: "Deleterious"; PolyPhen-2: "Probably Damaging"; Align-GVGD: "Class C0"). In summary, the available evidence is currently insufficient to determine the role of this variant in disease. Therefore, it has been classified as a Variant of Uncertain Significance. This variant is not present in population databases (gnomAD no frequency). This sequence change replaces alanine, which is neutral and non-polar, with valine, which is neutral and non-polar, at codon 367 of the BAP1 protein (p.Ala367Val).